The following is an entry in ClinVar:

NM_016507.4(CDK12):c.1375G>T (p.Asp459Tyr)

Gene: CDK12 (cyclin dependent kinase 12; plus strand). Cytogenetic location: 17q12.
Variant type: single nucleotide variant.
Coding change: c.1375G>T on transcript NM_016507.4 (MANE Select); coding-DNA position 1375, G replaced by T.
Protein change: p.Asp459Tyr; replaces aspartic acid 459 with tyrosine.
Molecular consequence: missense variant.
Genome position (GRCh38, 1-based): chr17:39,471,207, G>T. VCF-style: chr17-39471207-G-T. GRCh37 (hg19) VCF-style: chr17-37627460-G-T.
Other names: c.1375G>T, p.Asp459Tyr (NM_015083.4); short protein forms D459Y.
Identifiers: ClinVar variation 5034172 (VCV005034172.1).

ClinVar aggregate classification (germline): Uncertain significance (1 of 4 stars; one submission).

Submission:

Ambry Genetics
Classification: Uncertain significance. Last evaluated: 2026-08-27. Review status: criteria provided, single submitter. Criteria: Ambry Variant Classification Scheme 2023. Collection method: clinical testing. Allele origin: germline.
Comment: The p.D459Y variant (also known as c.1375G>T), located in coding exon 2 of the CDK12 gene, results from a G to T substitution at nucleotide position 1375. The aspartic acid at codon 459 is replaced by tyrosine, an amino acid with highly dissimilar properties. This amino acid position is conserved. In addition, the in silico prediction for this alteration is inconclusive. Based on the available evidence, the clinical significance of this variant remains unclear.